The following is an entry in ClinVar:

NM_001271938.2(MEGF8):c.3004C>T (p.Arg1002Trp)

Gene: MEGF8 (multiple EGF like domains 8; plus strand). Cytogenetic location: 19q13.2.
Variant type: single nucleotide variant.
Coding change: c.3004C>T on transcript NM_001271938.2 (MANE Select); coding-DNA position 3004, C replaced by T.
Protein change: p.Arg1002Trp; replaces arginine 1002 with tryptophan.
Molecular consequence: missense variant.
Genome position (GRCh38, 1-based): chr19:42,351,664, C>T. VCF-style: chr19-42351664-C-T. GRCh37 (hg19) VCF-style: chr19-42855816-C-T.
Other names: c.2803C>T, p.Arg935Trp (NM_001410.3); short protein forms R935W, R1002W.
Identifiers: ClinVar variation 942047 (VCV000942047.7), dbSNP rs1374279391, ClinGen allele CA406101025.

ClinVar aggregate classification (germline): Uncertain significance (1 of 4 stars; one submission).

Conditions:
MEGF8-related Carpenter syndrome. Also called: Carpenter syndrome 2. Identifiers: Orphanet 65759, MedGen C3554247, MONDO:0013998, OMIM 614976.

Allele frequency attached by ClinVar (database versions not stated): gnomAD 0.00001; gnomAD exomes 0.00001; TOPMed 0.00002.
gnomAD v4.1: 28 of 1,590,048 alleles (0.0018%); highest among the groups gnomAD compares: Middle Eastern, 0.017%; no homozygotes.

Submission:

Labcorp Genetics (formerly Invitae), Labcorp
Classification: Uncertain significance for MEGF8-related Carpenter syndrome. Last evaluated: 2019-06-17. Review status: criteria provided, single submitter. Criteria: Invitae Variant Classification Sherloc (09022015). Collection method: clinical testing. Allele origin: germline.
Comment: This sequence change replaces arginine with tryptophan at codon 935 of the MEGF8 protein (p.Arg935Trp). The arginine residue is highly conserved and there is a moderate physicochemical difference between arginine and tryptophan. This variant is not present in population databases (ExAC no frequency). This variant has not been reported in the literature in individuals with MEGF8-related conditions. Algorithms developed to predict the effect of missense changes on protein structure and function (SIFT, PolyPhen-2, Align-GVGD) all suggest that this variant is likely to be disruptive, but these predictions have not been confirmed by published functional studies and their clinical significance is uncertain. In summary, the available evidence is currently insufficient to determine the role of this variant in disease. Therefore, it has been classified as a Variant of Uncertain Significance.